The following is an entry in ClinVar:

ClinVar aggregate classification (germline): Uncertain significance (1 of 4 stars; one submission).

Conditions:
Hereditary cancer-predisposing syndrome. Also called: Neoplastic Syndromes, Hereditary; Tumor predisposition; Hereditary neoplastic syndrome; Hereditary Cancer Syndrome. Identifiers: Orphanet 140162, MedGen C0027672, MeSH D009386, MONDO:0015356.

Submission:

Ambry Genetics
Classification: Uncertain significance for Hereditary cancer-predisposing syndrome. Last evaluated: 2026-07-07. Review status: criteria provided, single submitter. Criteria: Ambry Variant Classification Scheme 2023. Collection method: clinical testing. Allele origin: germline.
Comment: The p.D1199A variant (also known as c.3596A>C), located in coding exon 10 of the BRCA2 gene, results from an A to C substitution at nucleotide position 3596. The aspartic acid at codon 1199 is replaced by alanine, an amino acid with dissimilar properties. This amino acid position is conserved. In addition, this alteration is predicted to be tolerated by in silico analysis. Based on the available evidence, the clinical significance of this variant remains unclear.

NM_000059.4(BRCA2):c.3596A>C (p.Asp1199Ala)

Gene: BRCA2 (BRCA2 DNA repair associated; plus strand). Cytogenetic location: 13q13.1.
Variant type: single nucleotide variant.
Coding change: c.3596A>C on transcript NM_000059.4 (MANE Select); coding-DNA position 3596, A replaced by C.
Protein change: p.Asp1199Ala; replaces aspartic acid 1199 with alanine.
Molecular consequence: missense variant. On other transcripts: non-coding transcript variant (1), intron variant (2).
Genome position (GRCh38, 1-based): chr13:32,337,951, A>C. VCF-style: chr13-32337951-A-C. GRCh37 (hg19) VCF-style: chr13-32912088-A-C.
Other names: c.3596A>C, p.Asp1199Ala (NM_001406719.1, NM_001406720.1, NM_001432077.1); c.1909+4564A>C (NM_001406721.1); c.425-6607A>C (NM_001406722.1); short protein forms D1199A.
Identifiers: ClinVar variation 5033294 (VCV005033294.1).